The following is an entry in ClinVar:

ClinVar aggregate classification (germline): Pathogenic/Likely pathogenic. Review status: criteria provided, multiple submitters, no conflicts (2 of 4 stars). 9 submissions from 9 submitters: Pathogenic (6); Likely pathogenic (2). 1 of the submissions does not count toward it. Last evaluated 2025-12-02.

Conditions:
Epidermolysis bullosa dystrophica. Also called: Dystrophic epidermolysis bullosa, Hallopeau-Siemens type (formerly); Dystrophic epidermolysis bullosa. Identifiers: Orphanet 303, MedGen C0079294, MONDO:0006543.
Epidermolysis bullosa pruriginosa. Also called: DEB, PRURIGINOSA; DYSTROPHIC EPIDERMOLYSIS BULLOSA PRURIGINOSA. Identifiers: Orphanet 89843, MedGen C1275114, MONDO:0011398, OMIM 604129.
Generalized dominant dystrophic epidermolysis bullosa (DDEB). Also called: DDEB, generalized; DDEB-gen; DYSTROPHIC EPIDERMOLYSIS BULLOSA, AUTOSOMAL DOMINANT; Epidermolysis bullosa dystrophica, autosomal dominant; Dominant DEB (DDEB). Identifiers: Orphanet 231568, MedGen C0432322, MONDO:0007549, OMIM 131750.
Recessive dystrophic epidermolysis bullosa (RDEB). Also called: DYSTROPHIC EPIDERMOLYSIS BULLOSA, AUTOSOMAL RECESSIVE; EPIDERMOLYSIS BULLOSA DYSTROPHICA, HALLOPEAU-SIEMENS TYPE; epidermolysis bullosa dystrophica, autosomal recessive; Hallopeau-Siemens Disease; severe generalized recessive dystrophic epidermolysis bullosa; EPIDERMOLYSIS BULLOSA DYSTROPHICA, GENERALIZED SEVERE, AUTOSOMAL RECESSIVE. Identifiers: Orphanet 79408, Orphanet 79409, MedGen C0079474, MONDO:0009179, OMIM 226600.
Pretibial dystrophic epidermolysis bullosa. Also called: EPIDERMOLYSIS BULLOSA DYSTROPHICA, PRETIBIAL; Pretibial epidermolysis bullosa; Pretibial blistering. Identifiers: Orphanet 79410, MedGen C0432321, MONDO:0007552, OMIM 131850, HP:0012221.
Dominant dystrophic epidermolysis bullosa with absence of skin. Also called: EPIDERMOLYSIS BULLOSA DYSTROPHICA, BART TYPE; EPIDERMOLYSIS BULLOSA WITH CONGENITAL LOCALIZED ABSENCE OF SKIN AND DEFORMITY OF NAILS. Identifiers: MedGen C0268371, MONDO:0007557, OMIM 132000.
Nonsyndromic congenital nail disorder 8. Also called: TOENAIL DYSTROPHY, ISOLATED. Identifiers: MedGen C1843761, MONDO:0011852, OMIM 607523.
Transient bullous dermolysis of the newborn (TBDN). Also called: DYSTROPHIC EPIDERMOLYSIS BULLOSA, NEONATAL; EPIDERMOLYSIS BULLOSA DYSTROPHICA, NEONATAL FORM. Identifiers: Orphanet 79411, MedGen C1851573, MONDO:0007548, OMIM 131705.
COL7A1-related disorder. Also called: COL7A1- related disorders; COL7A1-related condition.

Allele frequency attached by ClinVar (database versions not stated): gnomAD 0.00001; gnomAD exomes 0.00001; TOPMed 0.00001.
gnomAD v4.1: 16 of 1,613,836 alleles (0.00099%); highest among the groups gnomAD compares: South Asian, 0.0077%; no homozygotes.

Submissions (9):

Labcorp Genetics (formerly Invitae), Labcorp
Classification: Pathogenic. Last evaluated: 2025-12-02. Review status: criteria provided, single submitter. Criteria: Invitae Variant Classification Sherloc (09022015). Collection method: clinical testing. Allele origin: germline.
Comment: This sequence change replaces arginine, which is basic and polar, with tryptophan, which is neutral and slightly polar, at codon 1772 of the COL7A1 protein (p.Arg1772Trp). This variant is present in population databases (no rsID available, gnomAD 0.003%). This missense change has been observed in individuals with autosomal recessive dystrophic epidermolysis bullosa (PMID: 10504458, 24279917, 29130490). It has also been observed to segregate with disease in related individuals. ClinVar contains an entry for this variant (Variation ID: 631924). Invitae Evidence Modeling of protein sequence and biophysical properties (such as structural, functional, and spatial information, amino acid conservation, physicochemical variation, residue mobility, and thermodynamic stability) indicates that this missense variant is expected to disrupt COL7A1 protein function with a positive predictive value of 95%. For these reasons, this variant has been classified as Pathogenic.

PreventionGenetics, part of Exact Sciences
Classification: Pathogenic for COL7A1-related condition. Last evaluated: 2025-11-21. Review status: criteria provided, single submitter. Criteria: ACMG Guidelines, 2015. Collection method: clinical testing. Allele origin: germline.
Comment: The COL7A1 c.5314C>T variant is predicted to result in the amino acid substitution p.Arg1772Trp. This variant has been reported in both the homozygous state and with a COL7A1 frameshift variant in individuals with recessive epidermolysis bullosa (Whittock et al. 1999. PubMed ID: 10504458; Shah et al. 2017. PubMed ID: 29130490; Table S5, Chen et al. 2022. PubMed ID: 36287101; Takeichi et al. 2013. PubMed ID: 24279917). This variant is reported in 0.0033% of alleles in individuals of South Asian descent in gnomAD, and is interpreted as pathogenic/likely pathogenic in the ClinVar database. This variant is interpreted as pathogenic.

Revvity Omics, Revvity
Classification: Likely pathogenic. Last evaluated: 2024-11-20. Review status: criteria provided, single submitter. Criteria: ACMG Guidelines, 2015. Collection method: clinical testing. Allele origin: germline.

GeneDx
Classification: Pathogenic. Last evaluated: 2024-04-30. Review status: criteria provided, single submitter. Criteria: GeneDx Variant Classification Process June 2021. Collection method: clinical testing. Allele origin: germline. Affected: yes.
Comment: In silico analysis supports that this missense variant has a deleterious effect on protein structure/function; Not observed at significant frequency in large population cohorts (gnomAD); This variant is associated with the following publications: (PMID: 24279917, 29130490, Jan[thesis]2016, 10504458, 36287101)

Fulgent Genetics
Classification: Pathogenic for Transient bullous dermolysis of the newborn; Generalized dominant dystrophic epidermolysis bullosa; Pretibial dystrophic epidermolysis bullosa; Dominant dystrophic epidermolysis bullosa with absence of skin; Recessive dystrophic epidermolysis bullosa; Epidermolysis bullosa pruriginosa; Nonsyndromic congenital nail disorder 8. Last evaluated: 2024-04-06. Review status: criteria provided, single submitter. Criteria: ACMG Guidelines, 2015. Collection method: clinical testing. Allele origin: germline.

3billion
Classification: Pathogenic for Recessive dystrophic epidermolysis bullosa. Last evaluated: 2022-03-22. Review status: criteria provided, single submitter. Criteria: ACMG Guidelines, 2015. Collection method: clinical testing. Allele origin: germline. Affected: yes. Observed: 1 homozygote.
Comment: Same or different nucleotide change resulting in same amino acid change has been previously reported as pathogenic/likely pathogenic with strong evidence (ClinVar ID: VCV000631924, PMID:10504458). The variant has been reported to be in trans with a pathogenic variant as either compound heterozygous or homozygous in at least 2 similarly affected unrelated individuals(PMID: 29130490, 24279917, 10504458). In silico tool predictions suggest damaging effect of the variant on gene or gene product(REVEL: 0.749>=0.6). The variant is observed at an extremely low frequency in the gnomAD v2.1.1 dataset (total allele frequency: 0.000008). Therefore, this variant is classified as pathogenic according to the recommendation of ACMG/AMP guideline.

Illumina Laboratory Services, Illumina
Classification: Likely pathogenic for Dystrophic epidermolysis bullosa. Last evaluated: 2018-10-31. Review status: criteria provided, single submitter. Criteria: ICSL Variant Classification Criteria 09 May 2019. Collection method: clinical testing. Allele origin: germline.
Comment: The COL7A1 c.5314C>T (p.Arg1772Trp) variant is a missense variant that has been reported in three studies and identified in six individuals with dystrophic epidermolysis bullosa, including in a homozygous state in five individuals and in a compound heterozygous state with a frameshift variant in one individual (Whittock et al. 1999; Takeichi et al. 2013; Shah et al. 2017). The five homozygotes comprised two sets of siblings from consanguineous families (Takeichi et al. 2013; Shah et al. 2017). The p.Arg1772Trp variant was absent from 195 controls and is reported at a frequency of 0.000032 in the South Asian population of the Genome Aggregation Database. This frequency is based on one allele in a region of good sequencing coverage; therefore, the variant is presumed to be rare. Based on the evidence, the p.Arg1772Trp variant is classified as likely pathogenic for dystrophic epidermolysis bullosa. This variant was observed by ICSL as part of a predisposition screen in an ostensibly healthy population.

Kariminejad - Najmabadi Pathology & Genetics Center
Classification: Pathogenic for Recessive dystrophic epidermolysis bullosa. Review status: criteria provided, single submitter. Criteria: ACMG Guidelines, 2015. Collection method: clinical testing. Allele origin: germline. Affected: no.

University of Washington Center for Mendelian Genomics, University of Washington
Classification: Likely pathogenic for dystrophic Epidermolysis Bullosa. Review status: no assertion criteria provided. Collection method: research. Allele origin: inherited. Affected: yes. Not counted in ClinVar's aggregate classification.

Literature cited by the submitters: PubMed 10504458 (cited by 3 submitters); PubMed 24279917 (cited by 3 submitters); PubMed 29130490 (cited by 4 submitters).

NM_000094.4(COL7A1):c.5314C>T (p.Arg1772Trp)

Gene: COL7A1 (collagen type VII alpha 1 chain; minus strand). Cytogenetic location: 3p21.31.
Variant type: single nucleotide variant.
Coding change: c.5314C>T on transcript NM_000094.4 (MANE Select); coding-DNA position 5314, C replaced by T.
Protein change: p.Arg1772Trp; replaces arginine 1772 with tryptophan.
Molecular consequence: missense variant.
Genome position (GRCh38, 1-based): chr3:48,579,271, G>A on the plus strand (C>T on the coding strand, the complement: COL7A1 is on the minus strand). VCF-style: chr3-48579271-G-A. GRCh37 (hg19) VCF-style: chr3-48616704-G-A.
Other names: short protein forms R1772W.
Identifiers: ClinVar variation 631924 (VCV000631924.18), dbSNP rs1032335328, ClinGen allele CA73978664.